The following is an entry in ClinVar:

ClinVar aggregate classification (germline): Likely benign (1 of 4 stars; one submission).

gnomAD v4.1: 61 of 1,575,054 alleles (0.0039%); highest among the groups gnomAD compares: Non-Finnish European, 0.0047%; no homozygotes.

Submission:

CeGaT Center for Human Genetics Tuebingen
Classification: Likely benign. Last evaluated: 2025-10-01. Review status: criteria provided, single submitter. Criteria: CeGaT Center For Human Genetics Tuebingen Variant Classification Criteria Version 2. Collection method: clinical testing. Allele origin: germline. Affected: yes. Observed: 1 variant allele.
Comment: OXTR: BS2

NM_000916.4(OXTR):c.137T>C (p.Leu46Pro)

Gene: OXTR (oxytocin receptor; minus strand). Cytogenetic location: 3p25.3.
Variant type: single nucleotide variant.
Coding change: c.137T>C on transcript NM_000916.4 (MANE Select); coding-DNA position 137, T replaced by C.
Protein change: p.Leu46Pro; replaces leucine 46 with proline.
Molecular consequence: missense variant.
Genome position (GRCh38, 1-based): chr3:8,768,051, A>G on the plus strand (T>C on the coding strand, the complement: OXTR is on the minus strand). VCF-style: chr3-8768051-A-G. GRCh37 (hg19) VCF-style: chr3-8809737-A-G.
Other names: c.137T>C, p.Leu46Pro (NM_001354653.2, NM_001354654.2, NM_001354655.2 and 1 more transcripts); short protein forms L46P.
Identifiers: ClinVar variation 4534443 (VCV004534443.6).